The following is an entry in ClinVar:

ClinVar aggregate classification (germline): Uncertain significance. Review status: criteria provided, multiple submitters, no conflicts (2 of 4 stars). 4 submissions from 4 submitters: Uncertain significance (4). Last evaluated 2025-10-16.

Conditions:
Hereditary cancer-predisposing syndrome. Also called: Hereditary neoplastic syndrome; Tumor predisposition; Hereditary Cancer Syndrome; Neoplastic Syndromes, Hereditary. Identifiers: Orphanet 140162, MedGen C0027672, MeSH D009386, MONDO:0015356.
Intrauterine growth retardation, metaphyseal dysplasia, adrenal hypoplasia congenita, genital anomalies, and immunodeficiency. Also called: IMAGEI SYNDROME. Identifiers: MedGen C5193036, MONDO:0032684, OMIM 618336.
Colorectal cancer, susceptibility to, 12 (CRCS12). Also called: COLORECTAL CANCER, SUSCEPTIBILITY TO, ON CHROMOSOME 12q24. Identifiers: Orphanet 220460, MedGen C3554460, MONDO:0014038, OMIM 615083.
Facial dysmorphism-immunodeficiency-livedo-short stature syndrome. Also called: FILS syndrome; Facial dysmorphism, immunodeficiency, livedo, and short stature. Identifiers: Orphanet 352712, MedGen C3554576, MONDO:0014058, OMIM 615139.

Allele frequency attached by ClinVar (database versions not stated): TOPMed 0.00001; gnomAD 0.00002; gnomAD exomes 0.00001.
gnomAD v4.1: 10 of 1,613,864 alleles (0.00062%); highest among the groups gnomAD compares: African/African-American, 0.0053%; no homozygotes.

Submissions (4):

Labcorp Genetics (formerly Invitae), Labcorp
Classification: Uncertain significance. Last evaluated: 2025-10-16. Review status: criteria provided, single submitter. Criteria: Invitae Variant Classification Sherloc (09022015). Collection method: clinical testing. Allele origin: germline.
Comment: This sequence change replaces aspartic acid, which is acidic and polar, with valine, which is neutral and non-polar, at codon 647 of the POLE protein (p.Asp647Val). This variant is present in population databases (no rsID available, gnomAD 0.02%). This variant has not been reported in the literature in individuals affected with POLE-related conditions. ClinVar contains an entry for this variant (Variation ID: 405887). Invitae Evidence Modeling of protein sequence and biophysical properties (such as structural, functional, and spatial information, amino acid conservation, physicochemical variation, residue mobility, and thermodynamic stability) indicates that this missense variant is expected to disrupt POLE protein function with a positive predictive value of 80%. In summary, the available evidence is currently insufficient to determine the role of this variant in disease. Therefore, it has been classified as a Variant of Uncertain Significance.

Ambry Genetics
Classification: Uncertain significance for Hereditary cancer-predisposing syndrome. Last evaluated: 2025-01-22. Review status: criteria provided, single submitter. Criteria: Ambry Variant Classification Scheme 2023. Collection method: clinical testing. Allele origin: germline.
Comment: The p.D647V variant (also known as c.1940A>T), located in coding exon 18 of the POLE gene, results from an A to T substitution at nucleotide position 1940. The aspartic acid at codon 647 is replaced by valine, an amino acid with highly dissimilar properties. This amino acid position is well conserved in available vertebrate species. In addition, this alteration is predicted to be tolerated by in silico analysis. Based on the available evidence, the clinical significance of this variant remains unclear.

GeneDx
Classification: Uncertain significance. Last evaluated: 2023-11-25. Review status: criteria provided, single submitter. Criteria: GeneDx Variant Classification Process June 2021. Collection method: clinical testing. Allele origin: germline.
Comment: In silico analysis supports that this missense variant has a deleterious effect on protein structure/function; Has not been previously published as pathogenic or benign to our knowledge; This variant is associated with the following publications: (PMID: 20951805)

Fulgent Genetics
Classification: Uncertain significance for Colorectal cancer, susceptibility to, 12; Facial dysmorphism-immunodeficiency-livedo-short stature syndrome; Intrauterine growth retardation, metaphyseal dysplasia, adrenal hypoplasia congenita, genital anomalies, and immunodeficiency. Last evaluated: 2022-05-16. Review status: criteria provided, single submitter. Criteria: ACMG Guidelines, 2015. Collection method: clinical testing. Allele origin: unknown.

NM_006231.4(POLE):c.1940A>T (p.Asp647Val)

Gene: POLE (DNA polymerase epsilon, catalytic subunit; minus strand). Cytogenetic location: 12q24.33.
Variant type: single nucleotide variant.
Coding change: c.1940A>T on transcript NM_006231.4 (MANE Select); coding-DNA position 1940, A replaced by T.
Protein change: p.Asp647Val; replaces aspartic acid 647 with valine.
Molecular consequence: missense variant.
Genome position (GRCh38, 1-based): chr12:132,668,721, T>A on the plus strand (A>T on the coding strand, the complement: POLE is on the minus strand). VCF-style: chr12-132668721-T-A. GRCh37 (hg19) VCF-style: chr12-133245307-T-A.
Other names: c.1940A>T (NM_006231.2); short protein forms D647V.
Identifiers: ClinVar variation 405887 (VCV000405887.16), dbSNP rs1060500884, ClinGen allele CA16613985.
Genomic context (GRCh38, chr12:132,668,721, plus strand): 5'-ATCTTCCGCTGGCAGTTTGCTCCAGGCTTATTGAAGTCACAGGCAGCACAGGTGGCTTCG[T>A]CCACCATGGCAGAGGGCTGGGAGGGGTGAGAAAGCACTTAGGGCTGGGCAGAGAGAGCTC-3'
Protein context (NP_006222.2, residues 637-657): TNRLQPSAMV[Asp647Val]EATCAACDFN